The following is an entry in ClinVar:

NM_000124.4(ERCC6):c.445C>T (p.Gln149Ter)

Gene: ERCC6 (ERCC excision repair 6, chromatin remodeling factor; minus strand). Cytogenetic location: 10q11.23.
Variant type: single nucleotide variant.
Coding change: c.445C>T on transcript NM_000124.4 (MANE Select); coding-DNA position 445, C replaced by T.
Protein change: p.Gln149Ter; replaces glutamine 149 with a stop codon.
Molecular consequence: nonsense.
Genome position (GRCh38, 1-based): chr10:49,530,818, G>A on the plus strand (C>T on the coding strand, the complement: ERCC6 is on the minus strand). VCF-style: chr10-49530818-G-A. GRCh37 (hg19) VCF-style: chr10-50738864-G-A.
Other names: c.445C>T, p.Gln149Ter (NM_001277058.2, NM_001277059.2, NM_001346440.2); short protein forms Q149*.
Identifiers: ClinVar variation 1443341 (VCV001443341.6), dbSNP rs2132635739, ClinGen allele CA376710653.

ClinVar aggregate classification (germline): Pathogenic (1 of 4 stars; one submission).

Submission:

Labcorp Genetics (formerly Invitae), Labcorp
Classification: Pathogenic. Last evaluated: 2021-08-31. Review status: criteria provided, single submitter. Criteria: Invitae Variant Classification Sherloc (09022015). Collection method: clinical testing. Allele origin: germline.
Comment: For these reasons, this variant has been classified as Pathogenic. Algorithms developed to predict the effect of sequence changes on RNA splicing suggest that this variant may create or strengthen a splice site. This variant has not been reported in the literature in individuals affected with ERCC6-related conditions. This variant is not present in population databases (ExAC no frequency). This sequence change creates a premature translational stop signal (p.Gln149*) in the ERCC6 gene. It is expected to result in an absent or disrupted protein product. Loss-of-function variants in ERCC6 are known to be pathogenic (PMID: 18628313, 29572252).

Literature cited by the submitters: PubMed 18628313; PubMed 29572252.